The following is an entry in ClinVar:

ClinVar aggregate classification (germline): Uncertain significance. Review status: criteria provided, multiple submitters, no conflicts (2 of 4 stars). 4 submissions from 4 submitters: Uncertain significance (4). Last evaluated 2025-08-20.

Conditions:
Hereditary cancer-predisposing syndrome. Also called: Hereditary neoplastic syndrome; Neoplastic Syndromes, Hereditary; Hereditary Cancer Syndrome; Tumor predisposition. Identifiers: Orphanet 140162, MedGen C0027672, MeSH D009386, MONDO:0015356.
Tuberous sclerosis syndrome (TSC). Also called: Tuberous Sclerosis Complex; Tuberous sclerosis. Identifiers: Orphanet 805, MedGen C0041341, MONDO:0001734.
Tuberous sclerosis 2 (TSC2). Identifiers: Orphanet 805, MedGen C1860707, MONDO:0013199, OMIM 613254.

gnomAD v4.1: 1 of 1,613,894 alleles (0.000062%); highest among the groups gnomAD compares: Non-Finnish European, 0.000085%; no homozygotes.

Submissions (4):

Ambry Genetics
Classification: Uncertain significance for Hereditary cancer-predisposing syndrome. Last evaluated: 2025-08-20. Review status: criteria provided, single submitter. Criteria: Ambry Variant Classification Scheme 2023. Collection method: clinical testing. Allele origin: germline.
Comment: The p.E51D variant (also known as c.153A>C), located in coding exon 2 of the TSC2 gene, results from an A to C substitution at nucleotide position 153. The glutamic acid at codon 51 is replaced by aspartic acid, an amino acid with highly similar properties. This amino acid position is well conserved in available vertebrate species; however, aspartic acid is the reference amino acid in other vertebrate species. In addition, the in silico prediction for this alteration is inconclusive. Based on the available evidence, the clinical significance of this variant remains unclear.

Blueprint Genetics
Classification: Uncertain significance. Last evaluated: 2024-02-16. Review status: criteria provided, single submitter. Criteria: ACMG Guidelines, 2015. Collection method: clinical testing. Allele origin: germline.

All of Us Research Program, National Institutes of Health
Classification: Uncertain significance for Tuberous sclerosis syndrome. Last evaluated: 2023-11-30. Review status: criteria provided, single submitter. Criteria: ACMG Guidelines, 2015. Collection method: clinical testing. Allele origin: germline. Inheritance: Autosomal dominant inheritance. Observed: 1 variant allele, 1 heterozygote.
Comment: This study involves interpretation of variants in research participants for the purpose of population health screening. Participant phenotype was not available at the time of variant classification. Additional details can be found in publication PMID: 35346344, PMCID: PMC8962531

Labcorp Genetics (formerly Invitae), Labcorp
Classification: Uncertain significance for Tuberous sclerosis 2. Last evaluated: 2022-03-27. Review status: criteria provided, single submitter. Criteria: Invitae Variant Classification Sherloc (09022015). Collection method: clinical testing. Allele origin: germline.
Comment: In summary, the available evidence is currently insufficient to determine the role of this variant in disease. Therefore, it has been classified as a Variant of Uncertain Significance. Advanced modeling of protein sequence and biophysical properties (such as structural, functional, and spatial information, amino acid conservation, physicochemical variation, residue mobility, and thermodynamic stability) performed at Invitae indicates that this missense variant is not expected to disrupt TSC2 protein function. ClinVar contains an entry for this variant (Variation ID: 577058). This variant has not been reported in the literature in individuals affected with TSC2-related conditions. This variant is not present in population databases (gnomAD no frequency). This sequence change replaces glutamic acid, which is acidic and polar, with aspartic acid, which is acidic and polar, at codon 51 of the TSC2 protein (p.Glu51Asp).

NM_000548.5(TSC2):c.153A>C (p.Glu51Asp)

Gene: TSC2 (TSC complex subunit 2; plus strand). Cytogenetic location: 16p13.3.
Variant type: single nucleotide variant.
Coding change: c.153A>C on transcript NM_000548.5 (MANE Select); coding-DNA position 153, A replaced by C.
Protein change: p.Glu51Asp; replaces glutamic acid 51 with aspartic acid.
Molecular consequence: missense variant. On other transcripts: 5 prime UTR variant (1).
Genome position (GRCh38, 1-based): chr16:2,050,414, A>C. VCF-style: chr16-2050414-A-C. GRCh37 (hg19) VCF-style: chr16-2100415-A-C.
Other names: c.153A>C, p.Glu51Asp (NM_001077183.3, NM_001114382.3, NM_001318827.2 and 4 more transcripts); c.6A>C, p.Glu2Asp (NM_001318829.2); c.-74A>C (NM_001318831.2); c.186A>C, p.Glu62Asp (NM_001318832.2); short protein forms E51D, E62D, E2D.
Identifiers: ClinVar variation 577058 (VCV000577058.11), dbSNP rs746366461, ClinGen allele CA394303152.